The following is an entry in ClinVar:

NM_030962.4(SBF2):c.5034T>C (p.Asp1678=)

Genes: SBF2 (SET binding factor 2; minus strand), SBF2-AS1 (SBF2 antisense RNA 1; plus strand), LOC105369149 (uncharacterized LOC105369149; plus strand). Cytogenetic location: 11p15.4.
Variant type: single nucleotide variant.
Coding change: c.5034T>C on transcript NM_030962.4 (MANE Select); coding-DNA position 5034, T replaced by C.
Protein change: p.Asp1678=; no amino-acid change (aspartic acid 1678 retained).
Molecular consequence: synonymous variant.
Genome position (GRCh38, 1-based): chr11:9,787,637, A>G on the plus strand (T>C on the coding strand, the complement: SBF2 is on the minus strand). VCF-style: chr11-9787637-A-G. GRCh37 (hg19) VCF-style: chr11-9809184-A-G.
Other names: c.5130T>C, p.Asp1710= (NM_001386339.1); c.4905T>C, p.Asp1635= (NM_001386342.1).
Identifiers: ClinVar variation 385721 (VCV000385721.4), dbSNP rs771306445, ClinGen allele CA5880833.

ClinVar aggregate classification (germline): Likely benign. Review status: criteria provided, multiple submitters, no conflicts (2 of 4 stars). 2 submissions from 2 submitters: Likely benign (2). Last evaluated 2025-11-06.

Conditions:
Charcot-Marie-Tooth disease type 4. Also called: Charcot-Marie-Tooth disease, type IV; Charcot-Marie-Tooth, Type 4. Identifiers: Orphanet 64749, MedGen C4082197, MONDO:0018995.

Allele frequency attached by ClinVar (database versions not stated): gnomAD exomes below 0.00001 and 0.00001; ExAC 0.00001.
gnomAD v4.1: 11 of 1,613,842 alleles (0.00068%); highest among the groups gnomAD compares: Non-Finnish European, 0.00085%; no homozygotes.

Submissions (2):

Labcorp Genetics (formerly Invitae), Labcorp
Classification: Likely benign for Charcot-Marie-Tooth disease type 4. Last evaluated: 2025-11-06. Review status: criteria provided, single submitter. Criteria: Invitae Variant Classification Sherloc (09022015). Collection method: clinical testing. Allele origin: germline.

GeneDx
Classification: Likely benign. Last evaluated: 2016-05-09. Review status: criteria provided, single submitter. Criteria: GeneDx Variant Classification (06012015). Collection method: clinical testing. Allele origin: germline. Affected: yes.
Comment: This variant is considered likely benign or benign based on one or more of the following criteria: it is a conservative change, it occurs at a poorly conserved position in the protein, it is predicted to be benign by multiple in silico algorithms, and/or has population frequency not consistent with disease.